The following is an entry in ClinVar:

NM_000702.4(ATP1A2):c.2142C>T (p.Asp714=)

Gene: ATP1A2 (ATPase Na+/K+ transporting subunit alpha 2; plus strand). Cytogenetic location: 1q23.2.
Variant type: single nucleotide variant.
Coding change: c.2142C>T on transcript NM_000702.4 (MANE Select); coding-DNA position 2142, C replaced by T.
Protein change: p.Asp714=; no amino-acid change (aspartic acid 714 retained).
Molecular consequence: synonymous variant.
Genome position (GRCh38, 1-based): chr1:160,135,460, C>T. VCF-style: chr1-160135460-C-T. GRCh37 (hg19) VCF-style: chr1-160105250-C-T.
Identifiers: ClinVar variation 460300 (VCV000460300.21), dbSNP rs139022921, ClinGen allele CA1194686.

ClinVar aggregate classification (germline): Benign/Likely benign. Review status: criteria provided, multiple submitters, no conflicts (2 of 4 stars). 12 submissions from 8 submitters: Benign (5); Likely benign (7). Last evaluated 2026-06-01.

Conditions:
Familial hemiplegic migraine. Identifiers: MedGen C0338484, MONDO:0000700.
Alternating hemiplegia of childhood 1 (AHC1). Identifiers: Orphanet 2131, MedGen C3549447, MONDO:0007087, OMIM 104290.
Fetal akinesia, respiratory insufficiency, microcephaly, polymicrogyria, and dysmorphic facies. Identifiers: MedGen C5562015, MONDO:0859204, OMIM 619602.
Developmental and epileptic encephalopathy 98. Identifiers: MedGen C5562017, MONDO:0030472, OMIM 619605.
Inborn genetic diseases. Identifiers: MedGen C0950123, MeSH D030342.
Migraine, familial hemiplegic, 2. Identifiers: Orphanet 569, MedGen C1865322, MONDO:0011232, OMIM 602481.

Allele frequency attached by ClinVar (database versions not stated): gnomAD 0.00007; gnomAD exomes 0.00008 and 0.00009; ExAC 0.00009; TOPMed 0.00011; ESP Exome Variant Server 0.00015.

Submissions (12):

CeGaT Center for Human Genetics Tuebingen
Classification: Likely benign. Last evaluated: 2026-06-01. Review status: criteria provided, single submitter. Criteria: CeGaT Center For Human Genetics Tuebingen Variant Classification Criteria Version 2. Collection method: clinical testing. Allele origin: germline. Affected: yes. Observed: 2 variant alleles.
Comment: ATP1A2: BP4, BP7

Labcorp Genetics (formerly Invitae), Labcorp
Classification: Likely benign for Familial hemiplegic migraine. Last evaluated: 2025-10-23. Review status: criteria provided, single submitter. Criteria: Invitae Variant Classification Sherloc (09022015). Collection method: clinical testing. Allele origin: germline.

Blueprint Genetics
Classification: Likely benign. Last evaluated: 2024-08-26. Review status: criteria provided, single submitter. Criteria: ACMG Guidelines, 2015. Collection method: clinical testing. Allele origin: germline.

Genome-Nilou Lab
Classification: Benign for Alternating hemiplegia of childhood 1. Last evaluated: 2021-12-05. Review status: criteria provided, single submitter. Criteria: ACMG Guidelines, 2015. Collection method: clinical testing. Allele origin: germline. Affected: no.

Genome-Nilou Lab
Classification: Benign for Developmental and epileptic encephalopathy 98. Last evaluated: 2021-12-05. Review status: criteria provided, single submitter. Criteria: ACMG Guidelines, 2015. Collection method: clinical testing. Allele origin: germline. Affected: no.

Genome-Nilou Lab
Classification: Benign for Fetal akinesia, respiratory insufficiency, microcephaly, polymicrogyria, and dysmorphic facies. Last evaluated: 2021-12-05. Review status: criteria provided, single submitter. Criteria: ACMG Guidelines, 2015. Collection method: clinical testing. Allele origin: germline. Affected: no.

Genome-Nilou Lab
Classification: Benign for Migraine, familial hemiplegic, 2. Last evaluated: 2021-12-05. Review status: criteria provided, single submitter. Criteria: ACMG Guidelines, 2015. Collection method: clinical testing. Allele origin: germline. Affected: no.

Ambry Genetics
Classification: Likely benign for Inborn genetic diseases. Last evaluated: 2019-10-23. Review status: criteria provided, single submitter. Criteria: Ambry Variant Classification Scheme 2023. Collection method: clinical testing. Allele origin: germline.

GeneDx
Classification: Likely benign. Last evaluated: 2018-02-27. Review status: criteria provided, single submitter. Criteria: GeneDx Variant Classification (06012015). Collection method: clinical testing. Allele origin: germline. Affected: yes.
Comment: This variant is considered likely benign or benign based on one or more of the following criteria: it is a conservative change, it occurs at a poorly conserved position in the protein, it is predicted to be benign by multiple in silico algorithms, and/or has population frequency not consistent with disease.

Illumina Laboratory Services, Illumina
Classification: Benign for Alternating hemiplegia of childhood 1. Last evaluated: 2018-01-13. Review status: criteria provided, single submitter. Criteria: ICSL Variant Classification Criteria 13 December 2019. Collection method: clinical testing. Allele origin: germline.
Comment: This variant was observed in the ICSL laboratory as part of a predisposition screen in an ostensibly healthy population. It had not been previously curated by ICSL or reported in the Human Gene Mutation Database (HGMD: prior to June 1st, 2018), and was therefore a candidate for classification through an automated scoring system. Utilizing variant allele frequency, disease prevalence and penetrance estimates, and inheritance mode, an automated score was calculated to assess if this variant is too frequent to cause the disease. Based on the score and internal cut-off values, a variant classified as benign is not then subjected to further curation. The score for this variant resulted in a classification of benign for this disease.

Illumina Laboratory Services, Illumina
Classification: Likely benign for Migraine, familial hemiplegic, 2. Last evaluated: 2018-01-13. Review status: criteria provided, single submitter. Criteria: ICSL Variant Classification Criteria 13 December 2019. Collection method: clinical testing. Allele origin: germline.
Comment: This variant was observed in the ICSL laboratory as part of a predisposition screen in an ostensibly healthy population. It had not been previously curated by ICSL or reported in the Human Gene Mutation Database (HGMD: prior to June 1st, 2018), and was therefore a candidate for classification through an automated scoring system. Utilizing variant allele frequency, disease prevalence and penetrance estimates, and inheritance mode, an automated score was calculated to assess if this variant is too frequent to cause the disease. Based on the score and internal cut-off values, a variant classified as likely benign is not then subjected to further curation. The score for this variant resulted in a classification of likely benign for this disease.

Breakthrough Genomics
Classification: Likely benign. Review status: criteria provided, single submitter. Criteria: ACMG Guidelines, 2015. Collection method: not provided. Allele origin: germline. Inheritance: Autosomal recessive inheritance. Affected: yes.